The following is an entry in ClinVar:

NM_000426.4(LAMA2):c.7187G>T (p.Gly2396Val)

Gene: LAMA2 (laminin subunit alpha 2; plus strand). Cytogenetic location: 6q22.33.
Variant type: single nucleotide variant.
Coding change: c.7187G>T on transcript NM_000426.4 (MANE Select); coding-DNA position 7187, G replaced by T.
Protein change: p.Gly2396Val; replaces glycine 2396 with valine.
Molecular consequence: missense variant.
Genome position (GRCh38, 1-based): chr6:129,465,176, G>T. VCF-style: chr6-129465176-G-T. GRCh37 (hg19) VCF-style: chr6-129786321-G-T.
Other names: c.7187G>T, p.Gly2396Val (NM_001079823.2); short protein forms G2396V.
Identifiers: ClinVar variation 4778947 (VCV004778947.1).
Genomic context (GRCh38, chr6:129,465,176, plus strand): 5'-CCACTGGGGTATGTTTACTCTATTAATAGAGAGATTTCATGAGTGTGGAGCTCACTGATG[G>T]GCACATAAAAGTCAGTTACGATCTGGGCTCAGGAATGGCTTCCGTTGTCAGCAATCAAAA-3'
Protein context (NP_000417.3, residues 2386-2406): RDFMSVELTD[Gly2396Val]HIKVSYDLGS

ClinVar aggregate classification (germline): Uncertain significance (1 of 4 stars; one submission).

Conditions:
LAMA2-related muscular dystrophy (LAMA2-RD). Also called: Laminin alpha 2-related dystrophy. Identifiers: MedGen C5679788, MONDO:0100228.

Submission:

Labcorp Genetics (formerly Invitae), Labcorp
Classification: Uncertain significance for LAMA2-related muscular dystrophy. Last evaluated: 2025-02-02. Review status: criteria provided, single submitter. Criteria: Invitae Variant Classification Sherloc (09022015). Collection method: clinical testing. Allele origin: germline.
Comment: This sequence change replaces glycine, which is neutral and non-polar, with valine, which is neutral and non-polar, at codon 2396 of the LAMA2 protein (p.Gly2396Val). This variant is not present in population databases (gnomAD no frequency). This variant has not been reported in the literature in individuals affected with LAMA2-related conditions. Invitae Evidence Modeling of protein sequence and biophysical properties (such as structural, functional, and spatial information, amino acid conservation, physicochemical variation, residue mobility, and thermodynamic stability) has been performed for this missense variant. However, the output from this modeling did not meet the statistical confidence thresholds required to predict the impact of this variant on LAMA2 protein function. In summary, the available evidence is currently insufficient to determine the role of this variant in disease. Therefore, it has been classified as a Variant of Uncertain Significance.